The following is an entry in ClinVar:

ClinVar aggregate classification (germline): Uncertain significance (1 of 4 stars; one submission).

Conditions:
Inborn genetic diseases. Identifiers: MedGen C0950123, MeSH D030342.

gnomAD v4.1: 1 of 1,614,196 alleles (0.000062%); highest among the groups gnomAD compares: Non-Finnish European, 0.000085%; no homozygotes.

Submission:

Ambry Genetics
Classification: Uncertain significance for Inborn genetic diseases. Last evaluated: 2024-12-06. Review status: criteria provided, single submitter. Criteria: Ambry Variant Classification Scheme 2023. Collection method: clinical testing. Allele origin: germline.
Comment: The p.H570L variant (also known as c.1709A>T), located in coding exon 12 of the BMPR2 gene, results from an A to T substitution at nucleotide position 1709. The histidine at codon 570 is replaced by leucine, an amino acid with similar properties. This amino acid position is conserved. In addition, this alteration is predicted to be tolerated by in silico analysis. Based on the available evidence, the clinical significance of this variant remains unclear.

NM_001204.7(BMPR2):c.1709A>T (p.His570Leu)

Gene: BMPR2 (bone morphogenetic protein receptor type 2; plus strand). Cytogenetic location: 2q33.2.
Variant type: single nucleotide variant.
Coding change: c.1709A>T on transcript NM_001204.7 (MANE Select); coding-DNA position 1709, A replaced by T.
Protein change: p.His570Leu; replaces histidine 570 with leucine.
Molecular consequence: missense variant.
Genome position (GRCh38, 1-based): chr2:202,555,374, A>T. VCF-style: chr2-202555374-A-T. GRCh37 (hg19) VCF-style: chr2-203420097-A-T.
Other names: short protein forms H570L.
Identifiers: ClinVar variation 3481340 (VCV003481340.1).